The following is an entry in ClinVar:

ClinVar aggregate classification (germline): Benign. Review status: criteria provided, multiple submitters, no conflicts (2 of 4 stars). 2 submissions from 2 submitters: Benign (2). Last evaluated 2018-06-16.

Allele frequency attached by ClinVar (database versions not stated): 1000 Genomes Project 0.12041; 1000 Genomes Project 30x 0.12305; TOPMed 0.23047; gnomAD 0.23975 and 0.24580.
gnomAD v4.1: 379,629 of 1,222,082 alleles (31%); highest among the groups gnomAD compares: Non-Finnish European, 37%; 67,402 homozygotes.

Submissions (2):

GeneDx
Classification: Benign. Last evaluated: 2018-06-16. Review status: criteria provided, single submitter. Criteria: GeneDx Variant Classification (06012015). Collection method: clinical testing. Allele origin: germline. Affected: yes.
Comment: This variant is considered likely benign or benign based on one or more of the following criteria: it is a conservative change, it occurs at a poorly conserved position in the protein, it is predicted to be benign by multiple in silico algorithms, and/or has population frequency not consistent with disease.

Breakthrough Genomics
Classification: Benign. Review status: criteria provided, single submitter. Criteria: ACMG Guidelines, 2015. Collection method: not provided. Allele origin: germline. Inheritance: Autosomal recessive inheritance. Affected: yes.

NM_000747.3(CHRNB1):c.1217+155G>A

Gene: CHRNB1 (cholinergic receptor nicotinic beta 1 subunit; plus strand). Cytogenetic location: 17p13.1.
Variant type: single nucleotide variant.
Coding change: c.1217+155G>A on transcript NM_000747.3 (MANE Select); 155 bases into the intron after coding-DNA position 1217, G replaced by A.
Molecular consequence: intron variant.
Genome position (GRCh38, 1-based): chr17:7,455,611, G>A. VCF-style: chr17-7455611-G-A. GRCh37 (hg19) VCF-style: chr17-7358930-G-A.
Identifiers: ClinVar variation 679144 (VCV000679144.2), dbSNP rs56074046, ClinGen allele CA14370390.